The following is an entry in ClinVar:

NM_002900.3(RBP3):c.1093G>A (p.Glu365Lys)

Gene: RBP3 (retinol binding protein 3; plus strand). Cytogenetic location: 10q11.22.
Variant type: single nucleotide variant.
Coding change: c.1093G>A on transcript NM_002900.3 (MANE Select); coding-DNA position 1093, G replaced by A.
Protein change: p.Glu365Lys; replaces glutamic acid 365 with lysine.
Molecular consequence: missense variant.
Genome position (GRCh38, 1-based): chr10:47,349,577, G>A. VCF-style: chr10-47349577-G-A. GRCh37 (hg19) VCF-style: chr10-48389785-C-T.
Other names: c.1093G>A (NM_002900.2); short protein forms E365K.
Identifiers: ClinVar variation 193242 (VCV000193242.10), dbSNP rs782662883, ClinGen allele CA238756.
Genomic context (GRCh38, chr10:47,349,577, plus strand): 5'-GACCGTGTGCCCACCCTGCTGCAGCACTTGGCCAGCATGGACTTCTCCACGGTGGTCTCC[G>A]AGGAAGATCTGGTCACCAAGCTCAATGCCGGCCTGCAGGCTGCGTCTGAGGATCCCAGGC-3'
Protein context (NP_002891.1, residues 355-375): ASMDFSTVVS[Glu365Lys]EDLVTKLNAG

ClinVar aggregate classification (germline): Conflicting classifications of pathogenicity. Review status: criteria provided, conflicting classifications (1 of 4 stars). 4 submissions from 4 submitters: Uncertain significance (3); Likely benign (1). Last evaluated 2025-01-23.

Conditions:
Inborn genetic diseases. Identifiers: MedGen C0950123, MeSH D030342.
Retinal dystrophy. Also called: Inherited retinal dystrophy. Identifiers: Orphanet 71862, MedGen C0854723, MeSH D058499, MONDO:0019118, HP:0000556.

Allele frequency attached by ClinVar (database versions not stated): ExAC 0.00001; gnomAD 0.00001; gnomAD exomes 0.00002; TOPMed 0.00002.
gnomAD v4.1: 34 of 1,612,888 alleles (0.0021%); highest among the groups gnomAD compares: East Asian, 0.025%; no homozygotes.

Submissions (4):

Ambry Genetics
Classification: Uncertain significance for Inborn genetic diseases. Last evaluated: 2025-01-23. Review status: criteria provided, single submitter. Criteria: Ambry Variant Classification Scheme 2023. Collection method: clinical testing. Allele origin: germline.

Labcorp Genetics (formerly Invitae), Labcorp
Classification: Uncertain significance. Last evaluated: 2024-08-05. Review status: criteria provided, single submitter. Criteria: Invitae Variant Classification Sherloc (09022015). Collection method: clinical testing. Allele origin: germline.
Comment: This sequence change replaces glutamic acid, which is acidic and polar, with lysine, which is basic and polar, at codon 365 of the RBP3 protein (p.Glu365Lys). This variant is present in population databases (rs782662883, gnomAD 0.02%). This variant has not been reported in the literature in individuals affected with RBP3-related conditions. ClinVar contains an entry for this variant (Variation ID: 193242). An algorithm developed to predict the effect of missense changes on protein structure and function (PolyPhen-2) suggests that this variant is likely to be tolerated. In summary, the available evidence is currently insufficient to determine the role of this variant in disease. Therefore, it has been classified as a Variant of Uncertain Significance.

Dept Of Ophthalmology, Nagoya University
Classification: Likely benign for Retinal dystrophy. Last evaluated: 2023-10-01. Review status: criteria provided, single submitter. Criteria: Submitter's publication. Collection method: research. Allele origin: germline. Affected: yes.

Eurofins Ntd Llc (ga)
Classification: Uncertain significance. Last evaluated: 2014-10-10. Review status: criteria provided, single submitter. Criteria: EGL Classification Definitions 2015. Collection method: clinical testing. Allele origin: germline. Observed: 1 variant allele, 1 heterozygote.